The following is an entry in ClinVar:

ClinVar aggregate classification (germline): Uncertain significance (1 of 4 stars; one submission).

Conditions:
Werner syndrome (WRN). Identifiers: Orphanet 902, MedGen C0043119, MONDO:0010196, OMIM 277700.

Allele frequency attached by ClinVar (database versions not stated): TOPMed below 0.00001.

Submission:

Labcorp Genetics (formerly Invitae), Labcorp
Classification: Uncertain significance for Werner syndrome. Last evaluated: 2023-12-06. Review status: criteria provided, single submitter. Criteria: Invitae Variant Classification Sherloc (09022015). Collection method: clinical testing. Allele origin: germline.
Comment: This sequence change replaces lysine, which is basic and polar, with arginine, which is basic and polar, at codon 1199 of the WRN protein (p.Lys1199Arg). This variant is not present in population databases (gnomAD no frequency). This variant has not been reported in the literature in individuals affected with WRN-related conditions. ClinVar contains an entry for this variant (Variation ID: 939352). An algorithm developed to predict the effect of missense changes on protein structure and function (PolyPhen-2) suggests that this variant is likely to be disruptive. In summary, the available evidence is currently insufficient to determine the role of this variant in disease. Therefore, it has been classified as a Variant of Uncertain Significance.

NM_000553.6(WRN):c.3596A>G (p.Lys1199Arg)

Gene: WRN (WRN RecQ like helicase; plus strand). Cytogenetic location: 8p12.
Variant type: single nucleotide variant.
Coding change: c.3596A>G on transcript NM_000553.6 (MANE Select); coding-DNA position 3596, A replaced by G.
Protein change: p.Lys1199Arg; replaces lysine 1199 with arginine.
Molecular consequence: missense variant.
Genome position (GRCh38, 1-based): chr8:31,150,364, A>G. VCF-style: chr8-31150364-A-G. GRCh37 (hg19) VCF-style: chr8-31007880-A-G.
Other names: short protein forms K1199R.
Identifiers: ClinVar variation 939352 (VCV000939352.6), dbSNP rs1037681053, ClinGen allele CA174907952.